The following is an entry in ClinVar:

NM_001029883.3(PCARE):c.802C>A (p.Gln268Lys)

Gene: PCARE (photoreceptor cilium actin regulator; minus strand). Cytogenetic location: 2p23.2.
Variant type: single nucleotide variant.
Coding change: c.802C>A on transcript NM_001029883.3 (MANE Select); coding-DNA position 802, C replaced by A.
Protein change: p.Gln268Lys; replaces glutamine 268 with lysine.
Molecular consequence: missense variant.
Genome position (GRCh38, 1-based): chr2:29,073,460, G>T on the plus strand (C>A on the coding strand, the complement: PCARE is on the minus strand). VCF-style: chr2-29073460-G-T. GRCh37 (hg19) VCF-style: chr2-29296326-G-T.
Other names: short protein forms Q268K.
Identifiers: ClinVar variation 954311 (VCV000954311.7), dbSNP rs866543181, ClinGen allele CA44643667.

ClinVar aggregate classification (germline): Uncertain significance (1 of 4 stars; one submission).

Allele frequency attached by ClinVar (database versions not stated): gnomAD exomes 0.00002; TOPMed 0.00006; gnomAD 0.00008.

Submission:

Labcorp Genetics (formerly Invitae), Labcorp
Classification: Uncertain significance. Last evaluated: 2021-08-11. Review status: criteria provided, single submitter. Criteria: Invitae Variant Classification Sherloc (09022015). Collection method: clinical testing. Allele origin: germline.
Comment: This sequence change replaces glutamine with lysine at codon 268 of the PCARE protein (p.Gln268Lys). The glutamine residue is highly conserved and there is a small physicochemical difference between glutamine and lysine. This variant is not present in population databases (ExAC no frequency). This variant has not been reported in the literature in individuals with PCARE-related conditions. Algorithms developed to predict the effect of missense changes on protein structure and function (SIFT, PolyPhen-2, Align-GVGD) all suggest that this variant is likely to be disruptive, but these predictions have not been confirmed by published functional studies and their clinical significance is uncertain. In summary, the available evidence is currently insufficient to determine the role of this variant in disease. Therefore, it has been classified as a Variant of Uncertain Significance.